The following is an entry in ClinVar:

NM_001127222.2(CACNA1A):c.725T>C (p.Ile242Thr)

Gene: CACNA1A (calcium voltage-gated channel subunit alpha1 A; minus strand). Cytogenetic location: 19p13.13.
Variant type: single nucleotide variant.
Coding change: c.725T>C on transcript NM_001127222.2 (MANE Select); coding-DNA position 725, T replaced by C.
Protein change: p.Ile242Thr; replaces isoleucine 242 with threonine.
Molecular consequence: missense variant.
Genome position (GRCh38, 1-based): chr19:13,365,376, A>G on the plus strand (T>C on the coding strand, the complement: CACNA1A is on the minus strand). VCF-style: chr19-13365376-A-G. GRCh37 (hg19) VCF-style: chr19-13476190-A-G.
Other names: c.725T>C, p.Ile242Thr (NM_000068.4, NM_001127221.2, NM_001174080.2 and 1 more transcripts); short protein forms I242T.
Identifiers: ClinVar variation 5007657 (VCV005007657.1).
Genomic context (GRCh38, chr19:13,365,376, plus strand): 5'-CCTGTCCCCTCTTCAAAGCAGGTGGTATGAAATTTTCCCATATAAAATTCTAACCCTATG[A>G]TTGCAAAAATAAGGATTGCAAAAAATAGGAGGAGGCCGATCTGCAGCAAAGGGATCATCG-3'
Protein context (NP_001120694.1, residues 232-252): LLFFAILIFA[Ile242Thr]IGLEFYMGKF

ClinVar aggregate classification (germline): Likely pathogenic (1 of 4 stars; one submission).

Conditions:
Developmental and epileptic encephalopathy, 42 (DEE42A). Also called: Epileptic encephalopathy, early infantile, 42; DEVELOPMENTAL AND EPILEPTIC ENCEPHALOPATHY 42A; EPILEPTIC ENCEPHALOPATHY, EARLY INFANTILE, 42A. Identifiers: MedGen C4310716, MONDO:0014917, OMIM 617106.
Migraine, familial hemiplegic, 1. Also called: MIGRAINE, FAMILIAL HEMIPLEGIC 1, WITH PROGRESSIVE CEREBELLAR ATAXIA. Identifiers: Orphanet 569, MedGen C1832884, MONDO:0020756, OMIM 141500, MONDO:0007714.
Episodic ataxia type 2 (EA2). Also called: ATAXIA, EPISODIC, WITH NYSTAGMUS; ATAXIA, FAMILIAL PAROXYSMAL; CEREBELLAR ATAXIA, PAROXYSMAL, ACETAZOLAMIDE-RESPONSIVE; CEREBELLOPATHY, HEREDITARY PAROXYSMAL; EPISODIC ATAXIA, NYSTAGMUS-ASSOCIATED; ACETAZOLAMIDE-RESPONSIVE HEREDITARY PAROXYSMAL CEREBELLAR ATAXIA. Identifiers: Orphanet 97, MedGen C1720416, MONDO:0007163, OMIM 108500.
Spinocerebellar ataxia type 6 (SCA6). Identifiers: Orphanet 98758, MedGen C0752124, MONDO:0008457, OMIM 183086.

Submission:

Juno Genomics, Hangzhou Juno Genomics, Inc
Classification: Likely pathogenic for Spinocerebellar ataxia type 6; Developmental and epileptic encephalopathy, 42; Episodic ataxia type 2; Migraine, familial hemiplegic, 1. Review status: criteria provided, single submitter. Criteria: ACMG Guidelines, 2015. Collection method: clinical testing. Allele origin: germline. Affected: yes.
Comment: Absent from controls (or at extremely low frequency if recessive) in Genome Aggregation Database.;Missense variant in a gene that has a low rate of benign missense variation.;Multiple lines of computational evidence support a deleterious effect on the gene or gene product.